The following is an entry in ClinVar:

NC_000007.14:g.156779294C>A

Genes: LMBR1 (limb development membrane protein 1; minus strand), SHH (sonic hedgehog signaling molecule; minus strand). Cytogenetic location: 7q36.3.
Variant type: single nucleotide variant.
Molecular consequence: intron variant (on NM_022458.4).
Genome position: GRCh38 VCF-style: chr7-156779294-C-A. GRCh37 (hg19) VCF-style: chr7-156571988-C-A.
Other names: c.424-15499G>T (NM_001363409.2, NM_001350953.2, NM_001363410.2 and 1 more transcripts); c.-34+361G>T (NM_001350958.2, NM_001350956.2, NM_001350955.2 and 1 more transcripts); c.55-15499G>T (NM_001350957.2, NM_001363411.2); c.361-15499G>T (NM_001363412.2); c.145-15499G>T (NM_001350954.2).
Identifiers: ClinVar variation 2797387 (VCV002797387.3), dbSNP rs1826699059, ClinGen allele CA1109169872.

ClinVar aggregate classification (germline): Uncertain significance (1 of 4 stars; one submission).

Conditions:
Holoprosencephaly 3 (HPE3). Identifiers: Orphanet 2162, MedGen C1840529, MONDO:0007733, OMIM 142945.

Allele frequency attached by ClinVar (database versions not stated): TOPMed below 0.00001; gnomAD 0.00001.
gnomAD v4.1: 1 of 152,144 alleles (0.00066%); highest among the groups gnomAD compares: African/African-American, 0.0024%; no homozygotes.

Submission:

Labcorp Genetics (formerly Invitae), Labcorp
Classification: Uncertain significance for Holoprosencephaly 3. Last evaluated: 2022-06-22. Review status: criteria provided, single submitter. Criteria: Invitae Variant Classification Sherloc (09022015). Collection method: clinical testing. Allele origin: germline.
Comment: This variant occurs in a non-coding region of the SHH gene. It does not change the encoded amino acid sequence of the SHH protein. This variant is not present in population databases (gnomAD no frequency). This variant has not been reported in the literature in individuals affected with SHH-related conditions. Experimental studies and prediction algorithms are not available or were not evaluated, and the effect of this variant on mRNA splicing is currently unknown. In summary, the available evidence is currently insufficient to determine the role of this variant in disease. Therefore, it has been classified as a Variant of Uncertain Significance.